The following is an entry in ClinVar:

ClinVar aggregate classification (germline): Likely pathogenic (1 of 4 stars; one submission).

Submission:

Labcorp Genetics (formerly Invitae), Labcorp
Classification: Likely pathogenic. Last evaluated: 2021-05-13. Review status: criteria provided, single submitter. Criteria: Invitae Variant Classification Sherloc (09022015). Collection method: clinical testing. Allele origin: germline.
Comment: This variant is not present in population databases (ExAC no frequency). This sequence change affects a donor splice site in intron 1 of the C8B gene. It is expected to disrupt RNA splicing. Variants that disrupt the donor or acceptor splice site typically lead to a loss of protein function (PMID: 16199547), and loss-of-function variants in C8B are known to be pathogenic (PMID: 7594510). This variant has not been reported in the literature in individuals with C8B-related conditions. Algorithms developed to predict the effect of sequence changes on RNA splicing suggest that this variant may disrupt the consensus splice site, but this prediction has not been confirmed by published transcriptional studies. In summary, the currently available evidence indicates that the variant is pathogenic, but additional data are needed to prove that conclusively. Therefore, this variant has been classified as Likely Pathogenic.

Literature cited by the submitters: PubMed 16199547; PubMed 7594510.

NM_000066.4(C8B):c.92+2T>A

Gene: C8B (complement C8 beta chain; minus strand). Cytogenetic location: 1p32.2.
Variant type: single nucleotide variant.
Coding change: c.92+2T>A on transcript NM_000066.4 (MANE Select); the canonical splice donor site of the intron after coding-DNA position 92, T replaced by A.
Molecular consequence: splice donor variant.
Genome position (GRCh38, 1-based): chr1:56,965,855, A>T on the plus strand (T>A on the coding strand, the complement: C8B is on the minus strand). VCF-style: chr1-56965855-A-T. GRCh37 (hg19) VCF-style: chr1-57431528-A-T.
Other names: c.-224+2T>A (NM_001278544.2); c.-287+2T>A (NM_001278543.2).
Identifiers: ClinVar variation 1477878 (VCV001477878.8), dbSNP rs2101487641, ClinGen allele CA340514608.